The following is an entry in ClinVar:

NM_002875.5(RAD51):c.225+599_225+601del

Gene: RAD51 (RAD51 recombinase; plus strand). Cytogenetic location: 15q15.1.
Variant type: Deletion.
Coding change: c.225+599_225+601del on transcript NM_002875.5 (MANE Select); bases 599 to 601 of the intron after coding-DNA position 225, 3 bases deleted (TTT; older notation c.225+599_225+601delTTT).
Molecular consequence: intron variant.
Genome position (GRCh38, 1-based): chr15:40,701,800-40,701,802, TTT deleted; deleting any 3 consecutive bases within chr15:40,701,777-40,701,802 gives the same sequence; the c. name uses the placement nearest the transcript's 3' end. VCF-style (leftmost placement, unchanged base first): chr15-40701776-ATTT-A. GRCh37 (hg19) VCF-style: chr15-40993974-ATTT-A.
Other names: c.226-6_226-4del (NM_133487.4, NM_001164269.2); c.225+599_225+601del (NM_001164270.2).
Identifiers: ClinVar variation 3043549 (VCV003043549.2), dbSNP rs35383252, ClinGen allele CA617246001.

ClinVar aggregate classification (germline): Likely benign (0 of 4 stars; one submission).

Conditions:
RAD51-related disorder. Also called: RAD51-related disorders; RAD51-related condition.

Submission:

PreventionGenetics, part of Exact Sciences
Classification: Likely benign for RAD51-related condition. Last evaluated: 2023-07-13. Review status: no assertion criteria provided. Collection method: clinical testing. Allele origin: germline.
Comment: This variant is classified as likely benign based on ACMG/AMP sequence variant interpretation guidelines (Richards et al. 2015 PMID: 25741868, with internal and published modifications).